The following is an entry in ClinVar:

ClinVar aggregate classification (germline): Pathogenic (1 of 4 stars; one submission).

Submission:

Labcorp Genetics (formerly Invitae), Labcorp
Classification: Pathogenic. Last evaluated: 2022-07-18. Review status: criteria provided, single submitter. Criteria: Invitae Variant Classification Sherloc (09022015). Collection method: clinical testing. Allele origin: germline.
Comment: This sequence change creates a premature translational stop signal (p.Pro23Leufs*31) in the PGM2L1 gene. It is expected to result in an absent or disrupted protein product. Loss-of-function variants in PGM2L1 are known to be pathogenic (PMID: 33979636). This variant is not present in population databases (gnomAD no frequency). This variant has not been reported in the literature in individuals affected with PGM2L1-related conditions. For these reasons, this variant has been classified as Pathogenic.

Literature cited by the submitters: PubMed 33979636.

NM_173582.6(PGM2L1):c.68del (p.Pro23fs)

Gene: PGM2L1 (phosphoglucomutase 2 like 1; minus strand). Cytogenetic location: 11q13.4.
Variant type: Deletion.
Coding change: c.68del on transcript NM_173582.6 (MANE Select); coding-DNA position 68, one base deleted (C; older notation c.68delC).
Protein change: p.Pro23fs; shifts the reading frame from proline 23.
Molecular consequence: frameshift variant.
Genome position (GRCh38, 1-based): chr11:74,398,094, G deleted on the plus strand (C on the coding strand, the reverse complement: PGM2L1 is on the minus strand); the first of 3 consecutive G bases (chr11:74,398,094-74,398,096); deleting any one gives the same sequence. VCF-style (leftmost placement, unchanged base first): chr11-74398093-AG-A. GRCh37 (hg19) VCF-style: chr11-74109138-AG-A.
Other names: short protein forms P23fs.
Identifiers: ClinVar variation 2201077 (VCV002201077.1), dbSNP rs2496013240, ClinGen allele CA2574923091.